The following is an entry in ClinVar:

ClinVar aggregate classification (germline): Uncertain significance. Review status: criteria provided, multiple submitters, no conflicts (2 of 4 stars). 2 submissions from 2 submitters: Uncertain significance (2). Last evaluated 2025-06-30.

Conditions:
PHGDH deficiency. Identifiers: Orphanet 79351, MedGen C1866174, MONDO:0011152, OMIM 601815.
Inborn genetic diseases. Identifiers: MedGen C0950123, MeSH D030342.

Allele frequency attached by ClinVar (database versions not stated): gnomAD 0.00002.
gnomAD v4.1: 6 of 1,611,300 alleles (0.00037%); highest among the groups gnomAD compares: Admixed American, 0.005%; no homozygotes.

Submissions (2):

Ambry Genetics
Classification: Uncertain significance for Inborn genetic diseases. Last evaluated: 2025-06-30. Review status: criteria provided, single submitter. Criteria: Ambry Variant Classification Scheme 2023. Collection method: clinical testing. Allele origin: germline.

Labcorp Genetics (formerly Invitae), Labcorp
Classification: Uncertain significance for PHGDH deficiency. Last evaluated: 2022-05-25. Review status: criteria provided, single submitter. Criteria: Invitae Variant Classification Sherloc (09022015). Collection method: clinical testing. Allele origin: germline.
Comment: This sequence change replaces alanine, which is neutral and non-polar, with threonine, which is neutral and polar, at codon 476 of the PHGDH protein (p.Ala476Thr). This variant is not present in population databases (gnomAD no frequency). This variant has not been reported in the literature in individuals affected with PHGDH-related conditions. Algorithms developed to predict the effect of missense changes on protein structure and function (SIFT, PolyPhen-2, Align-GVGD) all suggest that this variant is likely to be tolerated. In summary, the available evidence is currently insufficient to determine the role of this variant in disease. Therefore, it has been classified as a Variant of Uncertain Significance.

NM_006623.4(PHGDH):c.1426G>A (p.Ala476Thr)

Gene: PHGDH (phosphoglycerate dehydrogenase; plus strand). Cytogenetic location: 1p12.
Variant type: single nucleotide variant.
Coding change: c.1426G>A on transcript NM_006623.4 (MANE Select); coding-DNA position 1426, G replaced by A.
Protein change: p.Ala476Thr; replaces alanine 476 with threonine.
Molecular consequence: missense variant.
Genome position (GRCh38, 1-based): chr1:119,743,023, G>A. VCF-style: chr1-119743023-G-A. GRCh37 (hg19) VCF-style: chr1-120285646-G-A.
Other names: c.1426G>A (NM_006623.3); short protein forms A476T.
Identifiers: ClinVar variation 2168333 (VCV002168333.2), dbSNP rs1652286378, ClinGen allele CA341853952.
Genomic context (GRCh38, chr1:119,743,023, plus strand): 5'-GAAGTGCCTCTCCGCAGGGACCTGCCCCTGCTCCTATTCCGGACTCAGACCTCTGACCCT[G>A]CAATGCTGCCTACCATGATTGGTGAGGAGGGCCCTGTAGGGCTGGCTGGTGTCCTTGAGG-3'
Protein context (NP_006614.2, residues 466-486): LLFRTQTSDP[Ala476Thr]MLPTMIGLLA